The following is an entry in ClinVar:

ClinVar aggregate classification (germline): Conflicting classifications of pathogenicity. Review status: criteria provided, conflicting classifications (1 of 4 stars). 14 submissions from 13 submitters: Uncertain significance (4); Benign (1); Likely benign (8). 1 of the submissions does not count toward it. Last evaluated 2026-04-01.

Conditions:
Megacystis-microcolon-intestinal hypoperistalsis syndrome 1. Identifiers: MedGen C5542316, MONDO:0100354, OMIM 249210.
Aortic aneurysm, familial thoracic 7 (AAT7). Also called: AORTIC DISSECTION, FAMILIAL, WITH OR WITHOUT AORTIC ANEURYSM. Identifiers: MedGen C3151077, MONDO:0013418, OMIM 613780.
Familial thoracic aortic aneurysm and aortic dissection (TAAD). Also called: Thoracic aortic aneurysms and dissections. Identifiers: Orphanet 91387, MedGen C4707243, MONDO:0019625.
MYLK-related disorder. Also called: MYLK-related condition.
Connective tissue disorder. Also called: Connective tissue disease. Identifiers: MedGen C0009782, MONDO:0003900.

Allele frequency attached by ClinVar (database versions not stated): gnomAD exomes 0.00051; gnomAD 0.00055; TOPMed 0.00068; 1000 Genomes Project 0.00140; 1000 Genomes Project 30x 0.00156; ExAC 0.00045; ESP Exome Variant Server 0.00046.
gnomAD v4.1: 469 of 1,614,154 alleles (0.029%); highest among the groups gnomAD compares: Middle Eastern, 0.25%; no homozygotes.

Submissions (14):

CeGaT Center for Human Genetics Tuebingen
Classification: Likely benign. Last evaluated: 2026-04-01. Review status: criteria provided, single submitter. Criteria: CeGaT Center For Human Genetics Tuebingen Variant Classification Criteria Version 2. Collection method: clinical testing. Allele origin: germline. Affected: yes. Observed: 2 variant alleles.
Comment: MYLK: BP4

Labcorp Genetics (formerly Invitae), Labcorp
Classification: Likely benign for Aortic aneurysm, familial thoracic 7. Last evaluated: 2026-02-01. Review status: criteria provided, single submitter. Criteria: Invitae Variant Classification Sherloc (09022015). Collection method: clinical testing. Allele origin: germline.

Molecular Diagnostic Laboratory for Inherited Cardiovascular Disease, Montreal Heart Institute
Classification: Likely benign. Last evaluated: 2025-04-09. Review status: criteria provided, single submitter. Criteria: ACMG Guidelines, 2015. Collection method: clinical testing. Allele origin: germline. Affected: no.

Women's Health and Genetics/Laboratory Corporation of America, LabCorp
Classification: Likely benign. Last evaluated: 2024-11-10. Review status: criteria provided, single submitter. Criteria: LabCorp Variant Classification Summary - May 2015. Collection method: clinical testing. Allele origin: germline.

Blueprint Genetics
Classification: Likely benign. Last evaluated: 2024-10-31. Review status: criteria provided, single submitter. Criteria: ACMG Guidelines, 2015. Collection method: clinical testing. Allele origin: germline.

GeneDx
Classification: Likely benign. Last evaluated: 2021-01-28. Review status: criteria provided, single submitter. Criteria: GeneDx Variant Classification Process June 2021. Collection method: clinical testing. Allele origin: germline. Affected: yes.

Ambry Genetics
Classification: Likely benign for Familial thoracic aortic aneurysm and aortic dissection. Last evaluated: 2019-12-26. Review status: criteria provided, single submitter. Criteria: Ambry Variant Classification Scheme 2023. Collection method: clinical testing. Allele origin: germline.

CHEO Genetics Diagnostic Laboratory, Children's Hospital of Eastern Ontario
Classification: Benign for Familial thoracic aortic aneurysm and aortic dissection. Last evaluated: 2019-04-11. Review status: criteria provided, single submitter. Criteria: ACMG Guidelines, 2015. Collection method: clinical testing. Allele origin: germline.

Revvity Omics, Revvity
Classification: Uncertain significance. Last evaluated: 2019-03-11. Review status: criteria provided, single submitter. Criteria: ACMG Guidelines, 2015. Collection method: clinical testing. Allele origin: germline.

Illumina Laboratory Services, Illumina
Classification: Uncertain significance for Aortic aneurysm, familial thoracic 7. Last evaluated: 2018-01-13. Review status: criteria provided, single submitter. Criteria: ICSL Variant Classification Criteria 13 December 2019. Collection method: clinical testing. Allele origin: germline.

Center for Genomics, Ann and Robert H. Lurie Children's Hospital of Chicago
Classification: Uncertain significance for Aortic aneurysm, familial thoracic 7. Last evaluated: 2017-08-01. Review status: criteria provided, single submitter. Criteria: ACMG Guidelines, 2015. Collection method: clinical testing. Allele origin: germline.
Comment: MYLK NM_053026 exon22 p.Ala1231Thr (c.3691G>A): This variant has not been reported in the literature but is present in 0.1% (58/34412) of Latino chromosomes in the Genome Aggregation Database. This variant is present in ClinVar (Variation ID:342880). This variant threonine (Thr) is present in >10 species including mammals, and is not well conserved among evolutionarily distant species; this suggests that this variant may not impact the protein. Additional computational prediction tools do not suggest an impact. In summary, data on this variant is insufficient for disease classification. Therefore, the clinical significance of this variant is uncertain.

Center for Human Genetics, Inc
Classification: Likely benign for Connective tissue disorder. Last evaluated: 2016-11-01. Review status: criteria provided, single submitter. Criteria: ACMG Guidelines, 2015. Collection method: clinical testing. Allele origin: germline. Affected: yes.

Center for Genomics, Ann and Robert H. Lurie Children's Hospital of Chicago
Classification: Uncertain significance for Megacystis-microcolon-intestinal hypoperistalsis syndrome 1; Aortic aneurysm, familial thoracic 7. Review status: criteria provided, single submitter. Criteria: ACMG Guidelines, 2015. Collection method: clinical testing. Allele origin: germline.
Comment: the same text as in the submission from Center for Genomics, Ann and Robert H. Lurie Children's Hospital of Chicago above.

PreventionGenetics, part of Exact Sciences
Classification: Likely benign for MYLK-related condition. Last evaluated: 2020-08-31. Review status: no assertion criteria provided. Collection method: clinical testing. Allele origin: germline. Not counted in ClinVar's aggregate classification.
Comment: This variant is classified as likely benign based on ACMG/AMP sequence variant interpretation guidelines (Richards et al. 2015 PMID: 25741868, with internal and published modifications).

NM_053025.4(MYLK):c.3898G>A (p.Ala1300Thr)

Gene: MYLK (myosin light chain kinase; minus strand). Cytogenetic location: 3q21.1.
Variant type: single nucleotide variant.
Coding change: c.3898G>A on transcript NM_053025.4 (MANE Select); coding-DNA position 3898, G replaced by A.
Protein change: p.Ala1300Thr; replaces alanine 1300 with threonine.
Molecular consequence: missense variant.
Genome position (GRCh38, 1-based): chr3:123,664,192, C>T on the plus strand (G>A on the coding strand, the complement: MYLK is on the minus strand). VCF-style: chr3-123664192-C-T. GRCh37 (hg19) VCF-style: chr3-123383039-C-T.
Other names: c.3370G>A, p.Ala1124Thr (NM_001321309.2); c.3691G>A, p.Ala1231Thr (NM_053026.4, NM_053028.4); c.3898G>A, p.Ala1300Thr (NM_053027.4); short protein forms A1300T, A1231T, A1124T.
Identifiers: ClinVar variation 342880 (VCV000342880.88), dbSNP rs149530842, ClinGen allele CA070416.